The following is an entry in ClinVar:

NM_006904.7(PRKDC):c.2196T>A (p.Phe732Leu)

Gene: PRKDC (protein kinase, DNA-activated, catalytic subunit; minus strand). Cytogenetic location: 8q11.21.
Variant type: single nucleotide variant.
Coding change: c.2196T>A on transcript NM_006904.7 (MANE Select); coding-DNA position 2196, T replaced by A.
Protein change: p.Phe732Leu; replaces phenylalanine 732 with leucine.
Molecular consequence: missense variant.
Genome position (GRCh38, 1-based): chr8:47,927,834, A>T on the plus strand (T>A on the coding strand, the complement: PRKDC is on the minus strand). VCF-style: chr8-47927834-A-T. GRCh37 (hg19) VCF-style: chr8-48840394-A-T.
Other names: c.2196T>A, p.Phe732Leu (NM_001081640.2); short protein forms F732L.
Identifiers: ClinVar variation 3310127 (VCV003310127.1).

ClinVar aggregate classification (germline): Uncertain significance (1 of 4 stars; one submission).

Submission:

Ambry Genetics
Classification: Uncertain significance. Last evaluated: 2024-04-22. Review status: criteria provided, single submitter. Criteria: Ambry Variant Classification Scheme 2023. Collection method: clinical testing. Allele origin: germline.
Comment: The p.F732L variant (also known as c.2196T>A), located in coding exon 20 of the PRKDC gene, results from a T to A substitution at nucleotide position 2196. The phenylalanine at codon 732 is replaced by leucine, an amino acid with highly similar properties. This amino acid position is conserved. In addition, this alteration is predicted to be tolerated by in silico analysis. Based on the available evidence, the clinical significance of this variant remains unclear.